The following is an entry in ClinVar:

ClinVar aggregate classification (germline): Uncertain significance (1 of 4 stars; one submission).

Conditions:
PURA-related severe neonatal hypotonia-seizures-encephalopathy syndrome (NEDRIHF). Also called: PURA-Related Neurodevelopmental Disorders; NEURODEVELOPMENTAL DISORDER WITH NEONATAL RESPIRATORY INSUFFICIENCY, HYPOTONIA, AND FEEDING DIFFICULTIES. Identifiers: Orphanet 438213, Orphanet 438216, MedGen C4015357, MONDO:1060108, OMIM 616158, MONDO:0018580.

Allele frequency attached by ClinVar (database versions not stated): gnomAD exomes below 0.00001; TOPMed below 0.00001; gnomAD 0.00001.

Submission:

Labcorp Genetics (formerly Invitae), Labcorp
Classification: Uncertain significance for PURA-related severe neonatal hypotonia-seizures-encephalopathy syndrome. Last evaluated: 2022-09-20. Review status: criteria provided, single submitter. Criteria: Invitae Variant Classification Sherloc (09022015). Collection method: clinical testing. Allele origin: germline.
Comment: This sequence change replaces leucine, which is neutral and non-polar, with valine, which is neutral and non-polar, at codon 15 of the PURA protein (p.Leu15Val). In summary, the available evidence is currently insufficient to determine the role of this variant in disease. Therefore, it has been classified as a Variant of Uncertain Significance. Algorithms developed to predict the effect of missense changes on protein structure and function are either unavailable or do not agree on the potential impact of this missense change (SIFT: "Tolerated"; PolyPhen-2: "Not Available"; Align-GVGD: "Class C0"). This variant has not been reported in the literature in individuals affected with PURA-related conditions. The frequency data for this variant in the population databases is considered unreliable, as metrics indicate insufficient coverage at this position in the gnomAD database.

NM_005859.5(PURA):c.43C>G (p.Leu15Val)

Gene: PURA (purine rich element binding protein A; plus strand). Cytogenetic location: 5q31.3.
Variant type: single nucleotide variant.
Coding change: c.43C>G on transcript NM_005859.5 (MANE Select); coding-DNA position 43, C replaced by G.
Protein change: p.Leu15Val; replaces leucine 15 with valine.
Molecular consequence: missense variant.
Genome position (GRCh38, 1-based): chr5:140,114,224, C>G. VCF-style: chr5-140114224-C-G. GRCh37 (hg19) VCF-style: chr5-139493809-C-G.
Other names: short protein forms L15V.
Identifiers: ClinVar variation 1719921 (VCV001719921.6), dbSNP rs923665124, ClinGen allele CA128789389.
Genomic context (GRCh38, chr5:140,114,224, plus strand): 5'-GCAGCGGAGCGCAGCATCATGGCGGACCGAGACAGCGGCAGCGAGCAGGGTGGTGCGGCG[C>G]TGGGTTCGGGCGGCTCCCTGGGGCACCCCGGCTCGGGCTCAGGCTCCGGCGGGGGCGGTG-3'
Protein context (NP_005850.1, residues 5-25): DSGSEQGGAA[Leu15Val]GSGGSLGHPG